The following is an entry in ClinVar:

ClinVar aggregate classification (germline): Uncertain significance (1 of 4 stars; one submission).

Conditions:
Familial melanoma. Also called: Hereditary melanoma; Hereditary cutaneous melanoma. Identifiers: Orphanet 618, MedGen C1512419, MONDO:0018961.

Submission:

Labcorp Genetics (formerly Invitae), Labcorp
Classification: Uncertain significance for Familial melanoma. Last evaluated: 2025-06-12. Review status: criteria provided, single submitter. Criteria: Invitae Variant Classification Sherloc (09022015). Collection method: clinical testing. Allele origin: germline.
Comment: This sequence change replaces isoleucine, which is neutral and non-polar, with methionine, which is neutral and non-polar, at codon 136 of the CDK4 protein (p.Ile136Met). This variant is not present in population databases (gnomAD no frequency). This variant has not been reported in the literature in individuals affected with CDK4-related conditions. ClinVar contains an entry for this variant (Variation ID: 2801270). Invitae Evidence Modeling of protein sequence and biophysical properties (such as structural, functional, and spatial information, amino acid conservation, physicochemical variation, residue mobility, and thermodynamic stability) indicates that this missense variant is expected to disrupt CDK4 protein function with a positive predictive value of 95%. In summary, the available evidence is currently insufficient to determine the role of this variant in disease. Therefore, it has been classified as a Variant of Uncertain Significance.

NM_000075.4(CDK4):c.408C>G (p.Ile136Met)

Gene: CDK4 (cyclin dependent kinase 4; minus strand). Cytogenetic location: 12q14.1.
Variant type: single nucleotide variant.
Coding change: c.408C>G on transcript NM_000075.4 (MANE Select); coding-DNA position 408, C replaced by G.
Protein change: p.Ile136Met; replaces isoleucine 136 with methionine.
Molecular consequence: missense variant.
Genome position (GRCh38, 1-based): chr12:57,751,037, G>C on the plus strand (C>G on the coding strand, the complement: CDK4 is on the minus strand). VCF-style: chr12-57751037-G-C. GRCh37 (hg19) VCF-style: chr12-58144820-G-C.
Other names: short protein forms I136M.
Identifiers: ClinVar variation 2801270 (VCV002801270.3), dbSNP rs758331285, ClinGen allele CA385546778.